The following is an entry in ClinVar:

ClinVar aggregate classification (germline): Benign. Review status: criteria provided, multiple submitters, no conflicts (2 of 4 stars). 3 submissions from 3 submitters: Benign (3). Last evaluated 2018-06-13.

Allele frequency attached by ClinVar (database versions not stated): gnomAD 0.04889 and 0.04728; gnomAD exomes 0.06610 and 0.04413; 1000 Genomes Project 30x 0.02046; ESP Exome Variant Server 0.04386; 1000 Genomes Project 0.01877; ExAC 0.03530; TOPMed 0.04376.
gnomAD v4.1: 99,311 of 1,552,824 alleles (6.4%); highest among the groups gnomAD compares: Non-Finnish European, 7.7%; 3,685 homozygotes.

Submissions (3):

GeneDx
Classification: Benign. Last evaluated: 2018-06-13. Review status: criteria provided, single submitter. Criteria: GeneDx Variant Classification (06012015). Collection method: clinical testing. Allele origin: germline. Affected: yes.
Comment: This variant is considered likely benign or benign based on one or more of the following criteria: it is a conservative change, it occurs at a poorly conserved position in the protein, it is predicted to be benign by multiple in silico algorithms, and/or has population frequency not consistent with disease.

Breakthrough Genomics
Classification: Benign. Review status: criteria provided, single submitter. Criteria: ACMG Guidelines, 2015. Collection method: not provided. Allele origin: germline. Inheritance: Autosomal recessive inheritance. Affected: yes.

PreventionGenetics, part of Exact Sciences
Classification: Benign. Review status: criteria provided, single submitter. Criteria: ACMG Guidelines, 2015. Collection method: clinical testing. Allele origin: germline.

NM_022124.6(CDH23):c.3370-29G>A

Genes: C10orf105 (chromosome 10 open reading frame 105; minus strand), CDH23 (cadherin related 23; plus strand). Cytogenetic location: 10q22.1.
Variant type: single nucleotide variant.
Coding change: c.3370-29G>A on transcript NM_022124.6 (MANE Select); 29 bases into the intron before coding-DNA position 3370, G replaced by A.
Molecular consequence: intron variant.
Genome position (GRCh38, 1-based): chr10:71,724,016, G>A. VCF-style: chr10-71724016-G-A. GRCh37 (hg19) VCF-style: chr10-73483773-G-A.
Other names: c.3370-29G>A (NM_001171930.2); c.-5-7674C>T (NM_001168390.2).
Identifiers: ClinVar variation 261547 (VCV000261547.5), dbSNP rs72817951, ClinGen allele CA5544701.
Genomic context (GRCh38, chr10:71,724,016, plus strand): 5'-GCGTGAAGGGAAGGAAAGGAACTCTAAAAACCTCTTCTCTCCCTGCTGGGTGGCATTCAA[G>A]AAGTAACTCGTGTCTCATTCTTCCTCAGCTGAAAGCCACGGACGCAGATGAGGGCGAGTT-3'